The following is an entry in ClinVar:

NM_006231.4(POLE):c.5963A>G (p.Gln1988Arg)

Gene: POLE (DNA polymerase epsilon, catalytic subunit; minus strand). Cytogenetic location: 12q24.33.
Variant type: single nucleotide variant.
Coding change: c.5963A>G on transcript NM_006231.4 (MANE Select); coding-DNA position 5963, A replaced by G.
Protein change: p.Gln1988Arg; replaces glutamine 1988 with arginine.
Molecular consequence: missense variant.
Genome position (GRCh38, 1-based): chr12:132,634,227, T>C on the plus strand (A>G on the coding strand, the complement: POLE is on the minus strand). VCF-style: chr12-132634227-T-C. GRCh37 (hg19) VCF-style: chr12-133210813-T-C.
Other names: short protein forms Q1988R.
Identifiers: ClinVar variation 1750744 (VCV001750744.7), dbSNP rs2138473531, ClinGen allele CA387371491.
Genomic context (GRCh38, chr12:132,634,227, plus strand): 5'-CCCTGGGCTCTGGGCTTACCTGAAACAATCATGAGGAAGTAGTTCTGGCAGGAGGCTGCC[T>C]GTGGCAAAAACTGCAAAATGTTCCAGTTGTTTTCCAGTAAATCCTCCACGTTGGATTCCT-3'
Protein context (NP_006222.2, residues 1978-1998): NNWNILQFLP[Gln1988Arg]AASCQNYFLM

ClinVar aggregate classification (germline): Uncertain significance. Review status: criteria provided, multiple submitters, no conflicts (2 of 4 stars). 2 submissions from 2 submitters: Uncertain significance (2). Last evaluated 2025-03-30.

Conditions:
Hereditary cancer-predisposing syndrome. Also called: Hereditary Cancer Syndrome; Hereditary neoplastic syndrome; Neoplastic Syndromes, Hereditary; Tumor predisposition. Identifiers: Orphanet 140162, MedGen C0027672, MeSH D009386, MONDO:0015356.

Submissions (2):

Labcorp Genetics (formerly Invitae), Labcorp
Classification: Uncertain significance. Last evaluated: 2025-03-30. Review status: criteria provided, single submitter. Criteria: Invitae Variant Classification Sherloc (09022015). Collection method: clinical testing. Allele origin: germline.
Comment: This sequence change replaces glutamine, which is neutral and polar, with arginine, which is basic and polar, at codon 1988 of the POLE protein (p.Gln1988Arg). This variant is not present in population databases (gnomAD no frequency). This variant has not been reported in the literature in individuals affected with POLE-related conditions. ClinVar contains an entry for this variant (Variation ID: 1750744). Invitae Evidence Modeling of protein sequence and biophysical properties (such as structural, functional, and spatial information, amino acid conservation, physicochemical variation, residue mobility, and thermodynamic stability) indicates that this missense variant is not expected to disrupt POLE protein function with a negative predictive value of 80%. In summary, the available evidence is currently insufficient to determine the role of this variant in disease. Therefore, it has been classified as a Variant of Uncertain Significance.

Ambry Genetics
Classification: Uncertain significance for Hereditary cancer-predisposing syndrome. Last evaluated: 2022-07-11. Review status: criteria provided, single submitter. Criteria: Ambry Variant Classification Scheme 2023. Collection method: clinical testing. Allele origin: germline.
Comment: The p.Q1988R variant (also known as c.5963A>G), located in coding exon 43 of the POLE gene, results from an A to G substitution at nucleotide position 5963. The glutamine at codon 1988 is replaced by arginine, an amino acid with highly similar properties. This amino acid position is conserved. In addition, the in silico prediction for this alteration is inconclusive. Since supporting evidence is limited at this time, the clinical significance of this alteration remains unclear.